The following is an entry in ClinVar:

NM_007294.4(BRCA1):c.5333-8C>A

Gene: BRCA1 (BRCA1 DNA repair associated; minus strand). Cytogenetic location: 17q21.31.
Variant type: single nucleotide variant.
Coding change: c.5333-8C>A on transcript NM_007294.4 (MANE Select); 8 bases into the intron before coding-DNA position 5333, C replaced by A.
Molecular consequence: intron variant.
Genome position (GRCh38, 1-based): chr17:43,049,202, G>T on the plus strand (C>A on the coding strand, the complement: BRCA1 is on the minus strand). VCF-style: chr17-43049202-G-T. GRCh37 (hg19) VCF-style: chr17-41201219-G-T.
Other names: c.1880-8C>A (NM_001408458.1, NM_001408461.1, NM_001408464.1 and 7 more transcripts); c.4442-8C>A (NM_001407967.1); c.4952-8C>A (NM_001407959.1); c.5066-8C>A (NM_001407931.1, NM_001407932.1, NM_001407928.1 and 4 more transcripts); c.5189-8C>A (NM_001407747.1, NM_001407745.1, NM_001407737.1 and 18 more transcripts); c.4949-8C>A (NM_001407962.1, NM_001407960.1); c.1520-8C>A (NM_001408512.1); c.1643-8C>A (NM_001408510.1); and 84 more.
Identifiers: ClinVar variation 865623 (VCV000865623.3), dbSNP rs80358084, ClinGen allele CA916080893.

Conditions:
Breast-ovarian cancer, familial, susceptibility to, 1 (BROVCA1). Also called: BRCA1 Hereditary Breast and Ovarian Cancer; OVARIAN CANCER, SUSCEPTIBILITY TO. Identifiers: Orphanet 145, MedGen C2676676, MONDO:0011450, OMIM 604370. Disease mechanism: loss of function.

Submission:

Brotman Baty Institute, University of Washington
No classification provided (evidence only). Condition: Breast-ovarian cancer, familial 1. Review status: no classification provided. Collection method: in vitro. Allele origin: not applicable. Functional consequence: functionally_normal.
ClinVar note: "not provided" was previously submitted as the classification for the variant. However, the classification appeared to be based only on an observation of functional data so it was converted to no classification on 2025-07-30.